The following is an entry in ClinVar:

ClinVar aggregate classification (germline): Uncertain significance (1 of 4 stars; one submission).

Conditions:
Chédiak-Higashi syndrome (CHS). Also called: Chediak-Higashi Syndrome. Identifiers: Orphanet 167, MedGen C0007965, MONDO:0008963, OMIM 214500.

Submission:

Labcorp Genetics (formerly Invitae), Labcorp
Classification: Uncertain significance for Chédiak-Higashi syndrome. Last evaluated: 2022-03-29. Review status: criteria provided, single submitter. Criteria: Invitae Variant Classification Sherloc (09022015). Collection method: clinical testing. Allele origin: germline.
Comment: In summary, the available evidence is currently insufficient to determine the role of this variant in disease. Therefore, it has been classified as a Variant of Uncertain Significance. Algorithms developed to predict the effect of missense changes on protein structure and function (SIFT, PolyPhen-2, Align-GVGD) all suggest that this variant is likely to be tolerated. This variant has not been reported in the literature in individuals affected with LYST-related conditions. This variant is not present in population databases (gnomAD no frequency). This sequence change replaces alanine, which is neutral and non-polar, with serine, which is neutral and polar, at codon 1084 of the LYST protein (p.Ala1084Ser).

NM_000081.4(LYST):c.3250G>T (p.Ala1084Ser)

Gene: LYST (lysosomal trafficking regulator; minus strand). Cytogenetic location: 1q42.3.
Variant type: single nucleotide variant.
Coding change: c.3250G>T on transcript NM_000081.4 (MANE Select); coding-DNA position 3250, G replaced by T.
Protein change: p.Ala1084Ser; replaces alanine 1084 with serine.
Molecular consequence: missense variant.
Genome position (GRCh38, 1-based): chr1:235,805,886, C>A on the plus strand (G>T on the coding strand, the complement: LYST is on the minus strand). VCF-style: chr1-235805886-C-A. GRCh37 (hg19) VCF-style: chr1-235969186-C-A.
Other names: c.3250G>T, p.Ala1084Ser (NM_001301365.1); short protein forms A1084S.
Identifiers: ClinVar variation 2119307 (VCV002119307.4), dbSNP rs376496670, ClinGen allele CA344952276.